The following is an entry in ClinVar:

NM_000059.4(BRCA2):c.4274A>C (p.Asp1425Ala)

Gene: BRCA2 (BRCA2 DNA repair associated; plus strand). Cytogenetic location: 13q13.1.
Variant type: single nucleotide variant.
Coding change: c.4274A>C on transcript NM_000059.4 (MANE Select); coding-DNA position 4274, A replaced by C.
Protein change: p.Asp1425Ala; replaces aspartic acid 1425 with alanine.
Molecular consequence: missense variant. On other transcripts: non-coding transcript variant (1), intron variant (2).
Genome position (GRCh38, 1-based): chr13:32,338,629, A>C. VCF-style: chr13-32338629-A-C. GRCh37 (hg19) VCF-style: chr13-32912766-A-C.
Other names: c.4274A>C, p.Asp1425Ala (NM_001406719.1, NM_001406720.1); c.1909+5242A>C (NM_001406721.1); c.425-5929A>C (NM_001406722.1); short protein forms D1425A.
Identifiers: ClinVar variation 2836867 (VCV002836867.4), dbSNP rs398122780, ClinGen allele CA387780570.

ClinVar aggregate classification (germline): Uncertain significance. Review status: criteria provided, multiple submitters, no conflicts (2 of 4 stars). 2 submissions from 2 submitters: Uncertain significance (2). Last evaluated 2025-12-10.

Conditions:
Hereditary cancer-predisposing syndrome. Also called: Tumor predisposition; Neoplastic Syndromes, Hereditary; Hereditary Cancer Syndrome; Hereditary neoplastic syndrome. Identifiers: Orphanet 140162, MedGen C0027672, MeSH D009386, MONDO:0015356.
Hereditary breast ovarian cancer syndrome. Also called: Hereditary breast and ovarian cancer syndrome (HBOC); Breast and ovarian cancer; BRCA1- and BRCA2-Associated Hereditary Breast and Ovarian Cancer; Hereditary breast and ovarian cancer syndrome; Hereditary breast and ovarian cancer; Hereditary breast and/or ovarian cancer syndrome. Identifiers: Orphanet 145, MedGen C0677776, MeSH D061325, MONDO:0003582. Disease mechanism: loss of function.

Submissions (2):

Ambry Genetics
Classification: Uncertain significance for Hereditary cancer-predisposing syndrome. Last evaluated: 2025-12-10. Review status: criteria provided, single submitter. Criteria: Ambry Variant Classification Scheme 2023. Collection method: clinical testing. Allele origin: germline.
Comment: The p.D1425A variant (also known as c.4274A>C), located in coding exon 10 of the BRCA2 gene, results from an A to C substitution at nucleotide position 4274. The aspartic acid at codon 1425 is replaced by alanine, an amino acid with dissimilar properties. This amino acid position is conserved. In addition, this alteration is predicted to be tolerated by in silico analysis. Based on the available evidence, the clinical significance of this variant remains unclear.

Labcorp Genetics (formerly Invitae), Labcorp
Classification: Uncertain significance for Hereditary breast ovarian cancer syndrome. Last evaluated: 2023-02-14. Review status: criteria provided, single submitter. Criteria: Invitae Variant Classification Sherloc (09022015). Collection method: clinical testing. Allele origin: germline.
Comment: This variant is not present in population databases (gnomAD no frequency). This variant has not been reported in the literature in individuals affected with BRCA2-related conditions. Advanced modeling of protein sequence and biophysical properties (such as structural, functional, and spatial information, amino acid conservation, physicochemical variation, residue mobility, and thermodynamic stability) performed at Invitae indicates that this missense variant is not expected to disrupt BRCA2 protein function. In summary, the available evidence is currently insufficient to determine the role of this variant in disease. Therefore, it has been classified as a Variant of Uncertain Significance. This sequence change replaces aspartic acid, which is acidic and polar, with alanine, which is neutral and non-polar, at codon 1425 of the BRCA2 protein (p.Asp1425Ala).